The following is an entry in ClinVar:

NM_000179.3(MSH6):c.1430G>T (p.Gly477Val)

Gene: MSH6 (mutS homolog 6; plus strand). Cytogenetic location: 2p16.3.
Variant type: single nucleotide variant.
Coding change: c.1430G>T on transcript NM_000179.3 (MANE Select); coding-DNA position 1430, G replaced by T.
Protein change: p.Gly477Val; replaces glycine 477 with valine.
Molecular consequence: missense variant.
Genome position (GRCh38, 1-based): chr2:47,799,413, G>T. VCF-style: chr2-47799413-G-T. GRCh37 (hg19) VCF-style: chr2-48026552-G-T.
Other names: c.1040G>T, p.Gly347Val (NM_001281492.2); c.524G>T, p.Gly175Val (NM_001281493.2, NM_001281494.2); short protein forms G477V, G347V, G175V.
Identifiers: ClinVar variation 845910 (VCV000845910.13), dbSNP rs1669330815, ClinGen allele CA346745492.

ClinVar aggregate classification (germline): Uncertain significance. Review status: criteria provided, multiple submitters, no conflicts (2 of 4 stars). 2 submissions from 2 submitters: Uncertain significance (2). Last evaluated 2026-08-24.

Conditions:
Hereditary nonpolyposis colorectal neoplasms. Identifiers: MedGen C0009405, MeSH D003123.
Hereditary cancer-predisposing syndrome. Also called: Tumor predisposition; Hereditary neoplastic syndrome; Neoplastic Syndromes, Hereditary; Hereditary Cancer Syndrome. Identifiers: Orphanet 140162, MedGen C0027672, MeSH D009386, MONDO:0015356.

Submissions (2):

Ambry Genetics
Classification: Uncertain significance for Hereditary cancer-predisposing syndrome. Last evaluated: 2026-08-24. Review status: criteria provided, single submitter. Criteria: Ambry Variant Classification Scheme 2023. Collection method: clinical testing. Allele origin: germline.
Comment: The p.G477V variant (also known as c.1430G>T), located in coding exon 4 of the MSH6 gene, results from a G to T substitution at nucleotide position 1430. The glycine at codon 477 is replaced by valine, an amino acid with dissimilar properties. This amino acid position is highly conserved in available vertebrate species. In addition, this alteration is predicted to be deleterious by in silico analysis. Based on the available evidence, the clinical significance of this variant remains unclear.

Labcorp Genetics (formerly Invitae), Labcorp
Classification: Uncertain significance for Hereditary nonpolyposis colorectal neoplasms. Last evaluated: 2019-10-25. Review status: criteria provided, single submitter. Criteria: Invitae Variant Classification Sherloc (09022015). Collection method: clinical testing. Allele origin: germline.
Comment: In summary, the available evidence is currently insufficient to determine the role of this variant in disease. Therefore, it has been classified as a Variant of Uncertain Significance. Algorithms developed to predict the effect of sequence changes on RNA splicing suggest that this variant may create or strengthen a splice site, but this prediction has not been confirmed by published transcriptional studies. Algorithms developed to predict the effect of missense changes on protein structure and function (SIFT, PolyPhen-2, Align-GVGD) all suggest that this variant is likely to be disruptive, but these predictions have not been confirmed by published functional studies and their clinical significance is uncertain. This sequence change replaces glycine with valine at codon 477 of the MSH6 protein (p.Gly477Val). The glycine residue is highly conserved and there is a moderate physicochemical difference between glycine and valine. This variant has not been reported in the literature in individuals with MSH6-related conditions. This variant is not present in population databases (ExAC no frequency).